The following is an entry in ClinVar:

ClinVar aggregate classification (germline): Uncertain significance (1 of 4 stars; one submission).

Allele frequency attached by ClinVar (database versions not stated): TOPMed below 0.00001; gnomAD 0.00001; ExAC 0.00002.
gnomAD v4.1: 32 of 1,614,096 alleles (0.002%); highest among the groups gnomAD compares: Non-Finnish European, 0.0025%; no homozygotes.

Submission:

Labcorp Genetics (formerly Invitae), Labcorp
Classification: Uncertain significance. Last evaluated: 2022-03-22. Review status: criteria provided, single submitter. Criteria: Invitae Variant Classification Sherloc (09022015). Collection method: clinical testing. Allele origin: germline.
Comment: This sequence change replaces glycine, which is neutral and non-polar, with arginine, which is basic and polar, at codon 653 of the PLEKHG2 protein (p.Gly653Arg). In summary, the available evidence is currently insufficient to determine the role of this variant in disease. Therefore, it has been classified as a Variant of Uncertain Significance. Algorithms developed to predict the effect of missense changes on protein structure and function (SIFT, PolyPhen-2, Align-GVGD) all suggest that this variant is likely to be tolerated. This variant has not been reported in the literature in individuals affected with PLEKHG2-related conditions. This variant is present in population databases (rs748597403, gnomAD 0.002%).

NM_022835.3(PLEKHG2):c.1957G>C (p.Gly653Arg)

Gene: PLEKHG2 (pleckstrin homology and RhoGEF domain containing G2; plus strand). Cytogenetic location: 19q13.2.
Variant type: single nucleotide variant.
Coding change: c.1957G>C on transcript NM_022835.3 (MANE Select); coding-DNA position 1957, G replaced by C.
Protein change: p.Gly653Arg; replaces glycine 653 with arginine.
Molecular consequence: missense variant. On other transcripts: intron variant (1).
Genome position (GRCh38, 1-based): chr19:39,423,011, G>C. VCF-style: chr19-39423011-G-C. GRCh37 (hg19) VCF-style: chr19-39913651-G-C.
Other names: c.1780G>C, p.Gly594Arg (NM_001351693.2); c.1677+723G>C (NM_001351694.2); short protein forms G594R, G653R.
Identifiers: ClinVar variation 1897404 (VCV001897404.5), dbSNP rs748597403, ClinGen allele CA9429676.